The following is an entry in ClinVar:

ClinVar aggregate classification (germline): Uncertain significance. Review status: criteria provided, multiple submitters, no conflicts (2 of 4 stars). 2 submissions from 2 submitters: Uncertain significance (2). Last evaluated 2024-02-26.

Conditions:
Charcot-Marie-Tooth disease type 2. Also called: Charcot-Marie-Tooth type 2. Identifiers: Orphanet 64746, MedGen C0270914, MONDO:0018993.

Allele frequency attached by ClinVar (database versions not stated): TOPMed below 0.00001; gnomAD exomes 0.00001.
gnomAD v4.1: 9 of 1,613,550 alleles (0.00056%); highest among the groups gnomAD compares: Non-Finnish European, 0.00076%; no homozygotes.

Submissions (2):

Labcorp Genetics (formerly Invitae), Labcorp
Classification: Uncertain significance for Charcot-Marie-Tooth disease type 2. Last evaluated: 2024-02-26. Review status: criteria provided, single submitter. Criteria: Invitae Variant Classification Sherloc (09022015). Collection method: clinical testing. Allele origin: germline.
Comment: This sequence change falls in intron 16 of the AARS gene. It does not directly change the encoded amino acid sequence of the AARS protein. It affects a nucleotide within the consensus splice site. This variant is not present in population databases (gnomAD no frequency). This variant has not been reported in the literature in individuals affected with AARS-related conditions. ClinVar contains an entry for this variant (Variation ID: 2570948). Variants that disrupt the consensus splice site are a relatively common cause of aberrant splicing (PMID: 17576681, 9536098). Algorithms developed to predict the effect of sequence changes on RNA splicing suggest that this variant is not likely to affect RNA splicing. In summary, the available evidence is currently insufficient to determine the role of this variant in disease. Therefore, it has been classified as a Variant of Uncertain Significance.

CeGaT Center for Human Genetics Tuebingen
Classification: Uncertain significance. Last evaluated: 2023-04-01. Review status: criteria provided, single submitter. Criteria: CeGaT Center For Human Genetics Tuebingen Variant Classification Criteria Version 2. Collection method: clinical testing. Allele origin: germline. Affected: yes. Observed: 1 variant allele.
Comment: AARS1: PM2, BP4

Literature cited by the submitters: PubMed 17576681 (cited by Labcorp Genetics (formerly Invitae), Labcorp); PubMed 9536098 (cited by Labcorp Genetics (formerly Invitae), Labcorp).

NM_001605.3(AARS1):c.2286+6C>T

Gene: AARS1 (alanyl-tRNA synthetase 1; minus strand). Cytogenetic location: 16q22.1.
Variant type: single nucleotide variant.
Coding change: c.2286+6C>T on transcript NM_001605.3 (MANE Select); 6 bases into the intron after coding-DNA position 2286, C replaced by T.
Molecular consequence: intron variant.
Genome position (GRCh38, 1-based): chr16:70,255,722, G>A on the plus strand (C>T on the coding strand, the complement: AARS1 is on the minus strand). VCF-style: chr16-70255722-G-A. GRCh37 (hg19) VCF-style: chr16-70289625-G-A.
Identifiers: ClinVar variation 2570948 (VCV002570948.30), dbSNP rs769626585, ClinGen allele CA283427750.